The following is an entry in ClinVar:

ClinVar aggregate classification (germline): Likely benign. Review status: criteria provided, multiple submitters, no conflicts (2 of 4 stars). 3 submissions from 3 submitters: Likely benign (3). Last evaluated 2025-07-15.

Allele frequency attached by ClinVar (database versions not stated): gnomAD exomes 0.00004 and 0.00008; gnomAD 0.00006 and 0.00007; TOPMed 0.00006; ExAC 0.00009; ESP Exome Variant Server 0.00015; 1000 Genomes Project 30x 0.00016; 1000 Genomes Project 0.00020.
gnomAD v4.1: 137 of 1,568,698 alleles (0.0087%); highest among the groups gnomAD compares: Non-Finnish European, 0.011%; no homozygotes.

Submissions (3):

Labcorp Genetics (formerly Invitae), Labcorp
Classification: Likely benign. Last evaluated: 2025-07-15. Review status: criteria provided, single submitter. Criteria: Invitae Variant Classification Sherloc (09022015). Collection method: clinical testing. Allele origin: germline.

Blueprint Genetics
Classification: Likely benign. Last evaluated: 2024-10-31. Review status: criteria provided, single submitter. Criteria: ACMG Guidelines, 2015. Collection method: clinical testing. Allele origin: germline.

GeneDx
Classification: Likely benign. Last evaluated: 2018-05-21. Review status: criteria provided, single submitter. Criteria: GeneDx Variant Classification (06012015). Collection method: clinical testing. Allele origin: germline. Affected: yes.
Comment: This variant is considered likely benign or benign based on one or more of the following criteria: it is a conservative change, it occurs at a poorly conserved position in the protein, it is predicted to be benign by multiple in silico algorithms, and/or has population frequency not consistent with disease.

NM_005006.7(NDUFS1):c.1134-15A>G

Gene: NDUFS1 (NADH:ubiquinone oxidoreductase core subunit S1; minus strand). Cytogenetic location: 2q33.3.
Variant type: single nucleotide variant.
Coding change: c.1134-15A>G on transcript NM_005006.7 (MANE Select); 15 bases into the intron before coding-DNA position 1134, A replaced by G.
Molecular consequence: intron variant.
Genome position (GRCh38, 1-based): chr2:206,142,084, T>C on the plus strand (A>G on the coding strand, the complement: NDUFS1 is on the minus strand). VCF-style: chr2-206142084-T-C. GRCh37 (hg19) VCF-style: chr2-207006808-T-C.
Other names: c.801-15A>G (NM_001199982.2); c.963-15A>G (NM_001199983.2); c.1026-15A>G (NM_001199981.2); c.1176-15A>G (NM_001199984.2).
Identifiers: ClinVar variation 675727 (VCV000675727.3), dbSNP rs201078641, ClinGen allele CA2070541.